The following is an entry in ClinVar:

NM_014956.5(CEP164):c.1058A>G (p.Asp353Gly)

Gene: CEP164 (centrosomal protein 164; plus strand). Cytogenetic location: 11q23.3.
Variant type: single nucleotide variant.
Coding change: c.1058A>G on transcript NM_014956.5 (MANE Select); coding-DNA position 1058, A replaced by G.
Protein change: p.Asp353Gly; replaces aspartic acid 353 with glycine.
Molecular consequence: missense variant.
Genome position (GRCh38, 1-based): chr11:117,371,372, A>G. VCF-style: chr11-117371372-A-G. GRCh37 (hg19) VCF-style: chr11-117242088-A-G.
Other names: c.1058A>G, p.Asp353Gly (NM_001271933.2); c.1058A>G (NM_014956.4); short protein forms D353G.
Identifiers: ClinVar variation 1493217 (VCV001493217.9), dbSNP rs2135917595, ClinGen allele CA382737837.

ClinVar aggregate classification (germline): Uncertain significance. Review status: criteria provided, multiple submitters, no conflicts (2 of 4 stars). 2 submissions from 2 submitters: Uncertain significance (2). Last evaluated 2026-08-26.

Conditions:
CEP164-related disorder. Also called: CEP164-related condition.
Nephronophthisis 15 (NPHP15). Identifiers: Orphanet 3156, MedGen C3541853, MONDO:0013917, OMIM 614845.

Allele frequency attached by ClinVar (database versions not stated): gnomAD exomes below 0.00001.
gnomAD v4.1: 6 of 1,614,224 alleles (0.00037%); highest among the groups gnomAD compares: Non-Finnish European, 0.00042%; no homozygotes.

Submissions (2):

PreventionGenetics, part of Exact Sciences
Classification: Uncertain significance for CEP164-related condition. Last evaluated: 2026-08-26. Review status: criteria provided, single submitter. Criteria: ACMG Guidelines, 2015. Collection method: clinical testing. Allele origin: germline.
Comment: The CEP164 c.1058A>G variant is predicted to result in the amino acid substitution p.Asp353Gly. To our knowledge, this variant has not been reported in the literature or in a large population database (gnomAD), indicating this variant is rare. At this time, the clinical significance of this variant is uncertain due to the absence of conclusive functional and genetic evidence.

Labcorp Genetics (formerly Invitae), Labcorp
Classification: Uncertain significance for Nephronophthisis 15. Last evaluated: 2021-02-05. Review status: criteria provided, single submitter. Criteria: Invitae Variant Classification Sherloc (09022015). Collection method: clinical testing. Allele origin: germline.
Comment: In summary, the available evidence is currently insufficient to determine the role of this variant in disease. Therefore, it has been classified as a Variant of Uncertain Significance. Algorithms developed to predict the effect of sequence changes on RNA splicing suggest that this variant may create or strengthen a splice site, but this prediction has not been confirmed by published transcriptional studies. Algorithms developed to predict the effect of missense changes on protein structure and function output the following: SIFT: "Tolerated"; PolyPhen-2: "Benign"; Align-GVGD: "Class C0". The glycine amino acid residue is found in multiple mammalian species, suggesting that this missense change does not adversely affect protein function. These predictions have not been confirmed by published functional studies and their clinical significance is uncertain. This variant has not been reported in the literature in individuals with CEP164-related conditions. This variant is not present in population databases (ExAC no frequency). This sequence change replaces aspartic acid with glycine at codon 353 of the CEP164 protein (p.Asp353Gly). The aspartic acid residue is moderately conserved and there is a moderate physicochemical difference between aspartic acid and glycine.